The following is an entry in ClinVar:

NC_000014.8:g.(?_89343618)_(89343754_?)del

Gene: TTC8 (tetratricopeptide repeat domain 8; plus strand). Cytogenetic location: 14q31.3.
Variant type: Deletion.
Identifiers: ClinVar variation 3243966 (VCV003243966.1).

ClinVar aggregate classification (germline): Uncertain significance (1 of 4 stars; one submission).

Conditions:
Bardet-Biedl syndrome (BBS). Identifiers: Orphanet 110, MedGen C0752166, MONDO:0015229.

Submission:

Labcorp Genetics (formerly Invitae), Labcorp
Classification: Uncertain significance for Bardet-Biedl syndrome. Last evaluated: 2023-08-04. Review status: criteria provided, single submitter. Criteria: Invitae Variant Classification Sherloc (09022015). Collection method: clinical testing. Allele origin: unknown.
Comment: This variant is a gross deletion of the genomic region encompassing exon(s) 15 of the TTC8 gene, which includes the termination codon. This deletion extends beyond the assayed region for this gene and therefore may encompass additional genes. While this deletion is not anticipated to lead to nonsense mediated decay, it is expected to alter mRNA translation or result in a truncated protein product. This variant has not been reported in the literature in individuals affected with TTC8-related conditions. In summary, the available evidence is currently insufficient to determine the role of this variant in disease. Therefore, it has been classified as a Variant of Uncertain Significance.